The following is an entry in ClinVar:

NM_032776.3(JMJD1C):c.6817A>G (p.Met2273Val)

Gene: JMJD1C (jumonji domain containing 1C; minus strand). Cytogenetic location: 10q21.3.
Variant type: single nucleotide variant.
Coding change: c.6817A>G on transcript NM_032776.3 (MANE Select); coding-DNA position 6817, A replaced by G.
Protein change: p.Met2273Val; replaces methionine 2273 with valine.
Molecular consequence: missense variant. On other transcripts: non-coding transcript variant (1).
Genome position (GRCh38, 1-based): chr10:63,185,576, T>C on the plus strand (A>G on the coding strand, the complement: JMJD1C is on the minus strand). VCF-style: chr10-63185576-T-C. GRCh37 (hg19) VCF-style: chr10-64945336-T-C.
Other names: c.6271A>G, p.Met2091Val (NM_001282948.2, NM_001318154.2); c.5953A>G, p.Met1985Val (NM_001318153.2); c.6703A>G, p.Met2235Val (NM_001322252.2); c.6160A>G, p.Met2054Val (NM_001322254.2, NM_001322258.2); short protein forms M2091V, M2235V, M1985V, M2054V, M2273V.
Identifiers: ClinVar variation 962741 (VCV000962741.9), dbSNP rs373934433, ClinGen allele CA5517798.

ClinVar aggregate classification (germline): Uncertain significance (1 of 4 stars; one submission).

Conditions:
Early Myoclonic Encephalopathy. Identifiers: MedGen C0270855.

Allele frequency attached by ClinVar (database versions not stated): gnomAD 0.00001; TOPMed 0.00004; ESP Exome Variant Server 0.00008; ExAC 0.00003; gnomAD exomes 0.00004 and 0.00002.
gnomAD v4.1: 29 of 1,592,822 alleles (0.0018%); highest among the groups gnomAD compares: Middle Eastern, 0.017%; no homozygotes.

Submission:

Labcorp Genetics (formerly Invitae), Labcorp
Classification: Uncertain significance for Early Myoclonic Encephalopathy. Last evaluated: 2025-12-09. Review status: criteria provided, single submitter. Criteria: Invitae Variant Classification Sherloc (09022015). Collection method: clinical testing. Allele origin: germline.
Comment: This sequence change replaces methionine, which is neutral and non-polar, with valine, which is neutral and non-polar, at codon 2273 of the JMJD1C protein (p.Met2273Val). This variant is present in population databases (rs373934433, gnomAD 0.02%). This variant has not been reported in the literature in individuals affected with JMJD1C-related conditions. ClinVar contains an entry for this variant (Variation ID: 962741). Invitae Evidence Modeling of protein sequence and biophysical properties (such as structural, functional, and spatial information, amino acid conservation, physicochemical variation, residue mobility, and thermodynamic stability) indicates that this missense variant is not expected to disrupt JMJD1C protein function with a negative predictive value of 80%. In summary, the available evidence is currently insufficient to determine the role of this variant in disease. Therefore, it has been classified as a Variant of Uncertain Significance.